The following is an entry in ClinVar:

ClinVar aggregate classification (germline): Uncertain significance (1 of 4 stars; one submission).

Conditions:
Neuroblastoma, susceptibility to, 3. Also called: ALK-Related Neuroblastic Tumor Susceptibility. Identifiers: Orphanet 635, MedGen C2751681, MONDO:0013083, OMIM 613014.

Submission:

Labcorp Genetics (formerly Invitae), Labcorp
Classification: Uncertain significance for Neuroblastoma, susceptibility to, 3. Last evaluated: 2024-04-02. Review status: criteria provided, single submitter. Criteria: Invitae Variant Classification Sherloc (09022015). Collection method: clinical testing. Allele origin: germline.
Comment: This sequence change replaces methionine, which is neutral and non-polar, with isoleucine, which is neutral and non-polar, at codon 950 of the ALK protein (p.Met950Ile). This variant is not present in population databases (gnomAD no frequency). This variant has not been reported in the literature in individuals affected with ALK-related conditions. Algorithms developed to predict the effect of missense changes on protein structure and function output the following: SIFT: "Not Available"; PolyPhen-2: "Benign"; Align-GVGD: "Not Available". The isoleucine amino acid residue is found in multiple mammalian species, which suggests that this missense change does not adversely affect protein function. In summary, the available evidence is currently insufficient to determine the role of this variant in disease. Therefore, it has been classified as a Variant of Uncertain Significance.

NM_004304.5(ALK):c.2850G>C (p.Met950Ile)

Gene: ALK (ALK receptor tyrosine kinase; minus strand). Cytogenetic location: 2p23.2.
Variant type: single nucleotide variant.
Coding change: c.2850G>C on transcript NM_004304.5 (MANE Select); coding-DNA position 2850, G replaced by C.
Protein change: p.Met950Ile; replaces methionine 950 with isoleucine.
Molecular consequence: missense variant.
Genome position (GRCh38, 1-based): chr2:29,227,638, C>G on the plus strand (G>C on the coding strand, the complement: ALK is on the minus strand). VCF-style: chr2-29227638-C-G. GRCh37 (hg19) VCF-style: chr2-29450504-C-G.
Other names: short protein forms M950I.
Identifiers: ClinVar variation 3648399 (VCV003648399.2).
Genomic context (GRCh38, chr2:29,227,638, plus strand): 5'-TAAAGCTGGGGTGTACAGGATGCCCAGTGGACTGATGAAGGAAACCCCATCTTCCCCATC[C>G]ATTTCGGGGTCATTGTTTGAGGCTGCATTGCCGCCTGAGTAGCAAACCAGAGCAGAGTTT-3'
Protein context (NP_004295.2, residues 940-960): GNAASNNDPE[Met950Ile]DGEDGVSFIS